The following is an entry in ClinVar:

ClinVar aggregate classification (germline): Uncertain significance (1 of 4 stars; one submission).

Allele frequency attached by ClinVar (database versions not stated): TOPMed below 0.00001; gnomAD 0.00001; gnomAD exomes 0.00001.
gnomAD v4.1: 21 of 1,612,678 alleles (0.0013%); highest among the groups gnomAD compares: Non-Finnish European, 0.0018%; no homozygotes.

Submission:

Labcorp Genetics (formerly Invitae), Labcorp
Classification: Uncertain significance. Last evaluated: 2023-08-02. Review status: criteria provided, single submitter. Criteria: Invitae Variant Classification Sherloc (09022015). Collection method: clinical testing. Allele origin: germline.
Comment: An algorithm developed to predict the effect of missense changes on protein structure and function (PolyPhen-2) suggests that this variant is likely to be tolerated. This sequence change replaces methionine, which is neutral and non-polar, with isoleucine, which is neutral and non-polar, at codon 360 of the IL23R protein (p.Met360Ile). The frequency data for this variant in the population databases is considered unreliable, as metrics indicate poor data quality at this position in the gnomAD database. This variant has not been reported in the literature in individuals affected with IL23R-related conditions. In summary, the available evidence is currently insufficient to determine the role of this variant in disease. Therefore, it has been classified as a Variant of Uncertain Significance.

NM_144701.3(IL23R):c.1080G>T (p.Met360Ile)

Gene: IL23R (interleukin 23 receptor; plus strand). Cytogenetic location: 1p31.3.
Variant type: single nucleotide variant.
Coding change: c.1080G>T on transcript NM_144701.3 (MANE Select); coding-DNA position 1080, G replaced by T.
Protein change: p.Met360Ile; replaces methionine 360 with isoleucine.
Molecular consequence: missense variant.
Genome position (GRCh38, 1-based): chr1:67,240,213, G>T. VCF-style: chr1-67240213-G-T. GRCh37 (hg19) VCF-style: chr1-67705896-G-T.
Other names: short protein forms M360I.
Identifiers: ClinVar variation 2702703 (VCV002702703.3), dbSNP rs751263927, ClinGen allele CA23489973.